The following is an entry in ClinVar:

NM_033656.4(BRWD1):c.4612A>G (p.Thr1538Ala)

Gene: BRWD1 (bromodomain and WD repeat domain containing 1; minus strand). Cytogenetic location: 21q22.2.
Variant type: single nucleotide variant.
Coding change: c.4612A>G on transcript NM_033656.4 (MANE Select); coding-DNA position 4612, A replaced by G.
Protein change: p.Thr1538Ala; replaces threonine 1538 with alanine.
Molecular consequence: missense variant.
Genome position (GRCh38, 1-based): chr21:39,200,360, T>C on the plus strand (A>G on the coding strand, the complement: BRWD1 is on the minus strand). VCF-style: chr21-39200360-T-C. GRCh37 (hg19) VCF-style: chr21-40572286-T-C.
Other names: c.4612A>G, p.Thr1538Ala (NM_018963.5); short protein forms T1538A.
Identifiers: ClinVar variation 2380265 (VCV002380265.4), dbSNP rs143089500, ClinGen allele CA10026643.

ClinVar aggregate classification (germline): Uncertain significance. Review status: criteria provided, single submitter (1 of 4 stars). 2 submissions from 2 submitters: Uncertain significance (1). 1 of the submissions does not count toward it. Last evaluated 2021-08-04.

Conditions:
BRWD1-related disorder. Also called: BRWD1-related condition.

Allele frequency attached by ClinVar (database versions not stated): gnomAD exomes 0.00005; 1000 Genomes Project 30x 0.00016; ExAC 0.00016; 1000 Genomes Project 0.00020; TOPMed 0.00033; gnomAD 0.00040; ESP Exome Variant Server 0.00069.
gnomAD v4.1: 133 of 1,612,346 alleles (0.0082%); highest among the groups gnomAD compares: African/African-American, 0.17%; 1 homozygote.

Submissions (2):

Ambry Genetics
Classification: Uncertain significance. Last evaluated: 2021-08-04. Review status: criteria provided, single submitter. Criteria: Ambry Variant Classification Scheme 2023. Collection method: clinical testing. Allele origin: germline.

PreventionGenetics, part of Exact Sciences
Classification: Likely benign for BRWD1-related condition. Last evaluated: 2019-05-20. Review status: no assertion criteria provided. Collection method: clinical testing. Allele origin: germline. Not counted in ClinVar's aggregate classification.
Comment: This variant is classified as likely benign based on ACMG/AMP sequence variant interpretation guidelines (Richards et al. 2015 PMID: 25741868, with internal and published modifications).